The following is an entry in ClinVar:

NM_004006.3(DMD):c.10563del (p.Ala3522fs)

Gene: DMD (dystrophin; minus strand). Cytogenetic location: Xp21.2.
Variant type: Deletion.
Coding change: c.10563del on transcript NM_004006.3 (MANE Select); coding-DNA position 10563, one base deleted (A; older notation c.10563delA).
Protein change: p.Ala3522fs; shifts the reading frame from alanine 3522.
Molecular consequence: frameshift variant.
Genome position (GRCh38, 1-based): chrX:31,147,509, T deleted on the plus strand (A on the coding strand, the reverse complement: DMD is on the minus strand); the first of 2 consecutive T bases (chrX:31,147,509-31,147,510); deleting either gives the same sequence. VCF-style (leftmost placement, unchanged base first): chrX-31147508-CT-C. GRCh37 (hg19) VCF-style: chrX-31165625-CT-C.
Other names: c.10539del, p.Ala3514fs (NM_000109.4); c.10551del, p.Ala3518fs (NM_004009.3); c.10194del, p.Ala3399fs (NM_004010.3); c.6540del, p.Ala2181fs (NM_004011.4); c.6531del, p.Ala2178fs (NM_004012.4); c.3183del, p.Ala1062fs (NM_004013.3, NM_004021.3); c.2376del, p.Ala793fs (NM_004014.3); c.1359del, p.Ala454fs (NM_004015.3, NM_004016.3); and 4 more; short protein forms A1049fs, A2181fs, A2178fs, A441fs, A793fs, A952fs, A3518fs, A1062fs.
Identifiers: ClinVar variation 1459582 (VCV001459582.8), dbSNP rs2147936347, ClinGen allele CA2573158604.

ClinVar aggregate classification (germline): Pathogenic/Likely pathogenic. Review status: criteria provided, multiple submitters, no conflicts (2 of 4 stars). 2 submissions from 2 submitters: Pathogenic (1); Likely pathogenic (1). Last evaluated 2022-11-18.

Conditions:
Duchenne muscular dystrophy (DMD). Also called: Duchenne Muscular Dystrophy (DMD); MUSCULAR DYSTROPHY, PSEUDOHYPERTROPHIC PROGRESSIVE, DUCHENNE TYPE. Identifiers: Orphanet 98896, MedGen C0013264, MONDO:0010679, OMIM 310200.

Submissions (2):

Revvity Omics, Revvity
Classification: Likely pathogenic. Last evaluated: 2022-11-18. Review status: criteria provided, single submitter. Criteria: ACMG Guidelines, 2015. Collection method: clinical testing. Allele origin: germline.

Labcorp Genetics (formerly Invitae), Labcorp
Classification: Pathogenic for Duchenne muscular dystrophy. Last evaluated: 2022-06-15. Review status: criteria provided, single submitter. Criteria: Invitae Variant Classification Sherloc (09022015). Collection method: clinical testing. Allele origin: germline.
Comment: This variant is not present in population databases (gnomAD no frequency). For these reasons, this variant has been classified as Pathogenic. This variant is also known as 10770delA. This premature translational stop signal has been observed in individual(s) with Duchenne muscular dystrophy (PMID: 7611292). This sequence change creates a premature translational stop signal (p.Ala3522Glnfs*6) in the DMD gene. It is expected to result in an absent or disrupted protein product. Loss-of-function variants in DMD are known to be pathogenic (PMID: 16770791, 25007885).

Literature cited by the submitters: PubMed 7611292 (cited by Labcorp Genetics (formerly Invitae), Labcorp); PubMed 16770791 (cited by Labcorp Genetics (formerly Invitae), Labcorp); PubMed 25007885 (cited by Labcorp Genetics (formerly Invitae), Labcorp).